The following is an entry in ClinVar:

NM_001868.4(CPA1):c.701G>A (p.Arg234His)

Gene: CPA1 (carboxypeptidase A1; plus strand). Cytogenetic location: 7q32.2.
Variant type: single nucleotide variant.
Coding change: c.701G>A on transcript NM_001868.4 (MANE Select); coding-DNA position 701, G replaced by A.
Protein change: p.Arg234His; replaces arginine 234 with histidine.
Molecular consequence: missense variant.
Genome position (GRCh38, 1-based): chr7:130,384,540, G>A. VCF-style: chr7-130384540-G-A. GRCh37 (hg19) VCF-style: chr7-130024381-G-A.
Other names: short protein forms R234H.
Identifiers: ClinVar variation 1756716 (VCV001756716.7), dbSNP rs782582120, ClinGen allele CA4484916.
Genomic context (GRCh38, chr7:130,384,540, plus strand): 5'-CACTGTGACAAGCGTCACACGTGCCTCGGGGTGGCTGATCCCATTTCCTTCCTCAGAATC[G>A]CATGTGGCGCAAGACTCGGTCCCACACAGCAGGCTCCCTCTGTATTGGCGTGGACCCCAA-3'
Protein context (NP_001859.1, residues 224-244): DGFAFTHSTN[Arg234His]MWRKTRSHTA

ClinVar aggregate classification (germline): Uncertain significance. Review status: criteria provided, multiple submitters, no conflicts (2 of 4 stars). 2 submissions from 2 submitters: Uncertain significance (2). Last evaluated 2025-08-14.

Conditions:
Hereditary pancreatitis (PCTT). Also called: Hereditary chronic pancreatitis; PRSS1-Related Hereditary Pancreatitis. Identifiers: Orphanet 676, MedGen C0238339, MONDO:0008185, OMIM 167800.

gnomAD v4.1: 8 of 1,614,054 alleles (0.0005%); highest among the groups gnomAD compares: Non-Finnish European, 0.00068%; no homozygotes.

Submissions (2):

Ambry Genetics
Classification: Uncertain significance for Hereditary pancreatitis. Last evaluated: 2025-08-14. Review status: criteria provided, single submitter. Criteria: Ambry Variant Classification Scheme 2023. Collection method: clinical testing. Allele origin: germline.
Comment: The p.R234H variant (also known as c.701G>A), located in coding exon 7 of the CPA1 gene, results from a G to A substitution at nucleotide position 701. The arginine at codon 234 is replaced by histidine, an amino acid with highly similar properties. In one study that sequenced pancreatic cancer susceptibility genes, this alteration was identified in 0/593 cases of pancreatic cancer and 1/967 controls (Tamura K et al. Proc Natl Acad Sci U S A, 2018 05;115:4767-4772). This amino acid position is highly conserved in available vertebrate species. In addition, this alteration is predicted to be deleterious by in silico analysis. Since supporting evidence is limited at this time, the clinical significance of this alteration remains unclear.

Labcorp Genetics (formerly Invitae), Labcorp
Classification: Uncertain significance. Last evaluated: 2024-11-23. Review status: criteria provided, single submitter. Criteria: Invitae Variant Classification Sherloc (09022015). Collection method: clinical testing. Allele origin: germline.
Comment: This sequence change replaces arginine, which is basic and polar, with histidine, which is basic and polar, at codon 234 of the CPA1 protein (p.Arg234His). This variant is present in population databases (rs782582120, gnomAD 0.003%). This variant has not been reported in the literature in individuals affected with CPA1-related conditions. ClinVar contains an entry for this variant (Variation ID: 1756716). Invitae Evidence Modeling of protein sequence and biophysical properties (such as structural, functional, and spatial information, amino acid conservation, physicochemical variation, residue mobility, and thermodynamic stability) indicates that this missense variant is expected to disrupt CPA1 protein function with a positive predictive value of 80%. Experimental studies have shown that this missense change affects CPA1 function (PMID: 29669919). In summary, the available evidence is currently insufficient to determine the role of this variant in disease. Therefore, it has been classified as a Variant of Uncertain Significance.

Literature cited by the submitters: PubMed 29669919 (cited by Ambry Genetics and Labcorp Genetics (formerly Invitae), Labcorp).